The following is an entry in ClinVar:

NM_000066.4(C8B):c.249G>T (p.Arg83Ser)

Gene: C8B (complement C8 beta chain; minus strand). Cytogenetic location: 1p32.2.
Variant type: single nucleotide variant.
Coding change: c.249G>T on transcript NM_000066.4 (MANE Select); coding-DNA position 249, G replaced by T.
Protein change: p.Arg83Ser; replaces arginine 83 with serine.
Molecular consequence: missense variant. On other transcripts: 5 prime UTR variant (1).
Genome position (GRCh38, 1-based): chr1:56,960,020, C>A on the plus strand (G>T on the coding strand, the complement: C8B is on the minus strand). VCF-style: chr1-56960020-C-A. GRCh37 (hg19) VCF-style: chr1-57425693-C-A.
Other names: c.93G>T, p.Arg31Ser (NM_001278543.2); c.-67G>T (NM_001278544.2); short protein forms R31S, R83S.
Identifiers: ClinVar variation 2151875 (VCV002151875.3), dbSNP rs567145070, ClinGen allele CA876067.

ClinVar aggregate classification (germline): Uncertain significance. Review status: criteria provided, multiple submitters, no conflicts (2 of 4 stars). 2 submissions from 2 submitters: Uncertain significance (2). Last evaluated 2025-09-02.

Conditions:
Type II complement component 8 deficiency. Also called: C8 BETA DEFICIENCY; C8B DEFICIENCY; COMPLEMENT COMPONENT 8B DEFICIENCY; COMPLEMENT C8 DEFICIENCY, TYPE II. Identifiers: MedGen C3151080, MONDO:0013421, OMIM 613789.

Allele frequency attached by ClinVar (database versions not stated): ExAC 0.00006; 1000 Genomes Project 30x 0.00016; 1000 Genomes Project 0.00020.
gnomAD v4.1: 16 of 1,614,082 alleles (0.00099%); highest among the groups gnomAD compares: East Asian, 0.018%; no homozygotes.

Submissions (3):

3billion
Classification: Uncertain significance for Type II complement component 8 deficiency. Last evaluated: 2025-09-02. Review status: criteria provided, single submitter. Criteria: ACMG Guidelines, 2015. Collection method: clinical testing. Allele origin: germline. Affected: yes.
Comment: The variant is observed at an extremely low frequency in the gnomAD v4.1.0 dataset (total allele frequency: <0.001%). Predicted Consequence/Location: Missense variant. The majority of the known disease-causing variants of this gene are variants expected to result in premature termination of the protein. In silico tools predict the variant to alter splicing and produce an abnormal transcript [SpliceAI: 0.55 (>=0.2, moderate evidence for spliceogenicity)]. The variant has been reported as of uncertain significance (ClinVar ID: VCV002151875; PMID: 30290665; 3billion dataset). Therefore, this variant is classified as VUS according to the recommendation of ACMG/AMP guideline.

Labcorp Genetics (formerly Invitae), Labcorp
Classification: Uncertain significance. Last evaluated: 2022-07-31. Review status: criteria provided, single submitter. Criteria: Invitae Variant Classification Sherloc (09022015). Collection method: clinical testing. Allele origin: germline.
Comment: This sequence change replaces arginine, which is basic and polar, with serine, which is neutral and polar, at codon 83 of the C8B protein (p.Arg83Ser). This variant also falls at the last nucleotide of exon 2, which is part of the consensus splice site for this exon. This variant is present in population databases (rs567145070, gnomAD 0.03%). This missense change has been observed in individual(s) with clinical features of C8B-related conditions (PMID: 28368462, 30290665). Algorithms developed to predict the effect of missense changes on protein structure and function are either unavailable or do not agree on the potential impact of this missense change (SIFT: "Deleterious"; PolyPhen-2: "Possibly Damaging"; Align-GVGD: "Class C0"). Variants that disrupt the consensus splice site are a relatively common cause of aberrant splicing (PMID: 17576681, 9536098). Algorithms developed to predict the effect of sequence changes on RNA splicing suggest that this variant may disrupt the consensus splice site. In summary, the available evidence is currently insufficient to determine the role of this variant in disease. Therefore, it has been classified as a Variant of Uncertain Significance.

Dr. Peter K. Rogan Lab, Western University
No classification provided (evidence only). Condition: Nonpapillary renal cell carcinoma. Review status: no classification provided. Collection method: in vitro. Allele origin: not applicable. Functional consequence: skipped exon. Not counted in ClinVar's aggregate classification.

Literature cited by the submitters: PubMed 28368462 (cited by Labcorp Genetics (formerly Invitae), Labcorp); PubMed 30290665 (cited by Labcorp Genetics (formerly Invitae), Labcorp); PubMed 17576681 (cited by Labcorp Genetics (formerly Invitae), Labcorp); PubMed 9536098 (cited by Labcorp Genetics (formerly Invitae), Labcorp).